The following is an entry in ClinVar:

NM_014915.3(ANKRD26):c.4886A>G (p.Glu1629Gly)

Gene: ANKRD26 (ankyrin repeat domain 26; minus strand). Cytogenetic location: 10p12.1.
Variant type: single nucleotide variant.
Coding change: c.4886A>G on transcript NM_014915.3 (MANE Select); coding-DNA position 4886, A replaced by G.
Protein change: p.Glu1629Gly; replaces glutamic acid 1629 with glycine.
Molecular consequence: missense variant.
Genome position (GRCh38, 1-based): chr10:27,012,949, T>C on the plus strand (A>G on the coding strand, the complement: ANKRD26 is on the minus strand). VCF-style: chr10-27012949-T-C. GRCh37 (hg19) VCF-style: chr10-27301878-T-C.
Other names: c.4883A>G, p.Glu1628Gly (NM_001256053.2); short protein forms E1628G, E1629G.
Identifiers: ClinVar variation 4579707 (VCV004579707.1).
Genomic context (GRCh38, chr10:27,012,949, plus strand): 5'-AAGTAGTTCTCCATGCTATTATTTGAAGCCCGTGGATTTGAGGTAGAGATCACTAAGTTT[T>C]CTCTTGGAATAAGTTTTCTGTTGAGATCTAAACTATTATTAAGATTTCCCACACAAGGTG-3'
Protein context (NP_055730.2, residues 1619-1639): LDLNRKLIPR[Glu1629Gly]NLVISTSNPR

ClinVar aggregate classification (germline): Uncertain significance (1 of 4 stars; one submission).

Conditions:
Inborn genetic diseases. Identifiers: MedGen C0950123, MeSH D030342.

gnomAD v4.1: 3 of 1,614,166 alleles (0.00019%); highest among the groups gnomAD compares: East Asian, 0.0022%; no homozygotes.

Submission:

Ambry Genetics
Classification: Uncertain significance for Inborn genetic diseases. Last evaluated: 2025-10-29. Review status: criteria provided, single submitter. Criteria: Ambry Variant Classification Scheme 2023. Collection method: clinical testing. Allele origin: germline.
Comment: The p.E1629G variant (also known as c.4886A>G), located in coding exon 32 of the ANKRD26 gene, results from an A to G substitution at nucleotide position 4886. The glutamic acid at codon 1629 is replaced by glycine, an amino acid with similar properties. This amino acid position is conserved. In addition, this alteration is predicted to be tolerated by in silico analysis. Based on the available evidence, the clinical significance of this variant remains unclear.